The following is an entry in ClinVar:

NM_015627.3(LDLRAP1):c.780G>A (p.Ser260=)

Gene: LDLRAP1 (low density lipoprotein receptor adaptor protein 1; plus strand). Cytogenetic location: 1p36.11.
Variant type: single nucleotide variant.
Coding change: c.780G>A on transcript NM_015627.3 (MANE Select); coding-DNA position 780, G replaced by A.
Protein change: p.Ser260=; no amino-acid change (serine 260 retained).
Molecular consequence: synonymous variant.
Genome position (GRCh38, 1-based): chr1:25,565,205, G>A. VCF-style: chr1-25565205-G-A. GRCh37 (hg19) VCF-style: chr1-25891696-G-A.
Identifiers: ClinVar variation 701037 (VCV000701037.15), dbSNP rs752761177, ClinGen allele CA695737.

ClinVar aggregate classification (germline): Likely benign. Review status: criteria provided, multiple submitters, no conflicts (2 of 4 stars). 4 submissions from 4 submitters: Likely benign (4). Last evaluated 2024-02-29.

Conditions:
Hypercholesterolemia, familial, 4 (FHCL4). Also called: HYPERCHOLESTEROLEMIA, AUTOSOMAL RECESSIVE, 1; HYPERCHOLESTEROLEMIA, AUTOSOMAL RECESSIVE, 2. Identifiers: Orphanet 391665, MedGen C1863512, MONDO:0011374, OMIM 603813.
Cardiovascular phenotype. Identifiers: MedGen CN230736.

Allele frequency attached by ClinVar (database versions not stated): ExAC 0.00003; gnomAD 0.00003; TOPMed 0.00003.

Submissions (4):

GENinCode PLC
Classification: Likely benign for Hypercholesterolemia, familial, 4. Last evaluated: 2024-02-29. Review status: criteria provided, single submitter. Criteria: ACMG Guidelines, 2015. Collection method: clinical testing. Allele origin: germline.
Comment: This is a synonymous (silent) variant that is not predicted by SpliceAI to impact splicing. In addition, it occurs at a nucleotide that is not conserved. Therefore this variant has been classified as Likely Benign (BP4, BP7).

Labcorp Genetics (formerly Invitae), Labcorp
Classification: Likely benign for Hypercholesterolemia, familial, 4. Last evaluated: 2023-07-17. Review status: criteria provided, single submitter. Criteria: Invitae Variant Classification Sherloc (09022015). Collection method: clinical testing. Allele origin: germline.

Genome-Nilou Lab
Classification: Likely benign for Hypercholesterolemia, familial, 4. Last evaluated: 2023-04-11. Review status: criteria provided, single submitter. Criteria: ACMG Guidelines, 2015. Collection method: clinical testing. Allele origin: germline. Affected: no.

Ambry Genetics
Classification: Likely benign for Cardiovascular phenotype. Last evaluated: 2020-01-12. Review status: criteria provided, single submitter. Criteria: Ambry Variant Classification Scheme 2023. Collection method: clinical testing. Allele origin: germline.